The following is an entry in ClinVar:

NM_002335.4(LRP5):c.4475C>T (p.Thr1492Met)

Gene: LRP5 (LDL receptor related protein 5; plus strand). Cytogenetic location: 11q13.2.
Variant type: single nucleotide variant.
Coding change: c.4475C>T on transcript NM_002335.4 (MANE Select); coding-DNA position 4475, C replaced by T.
Protein change: p.Thr1492Met; replaces threonine 1492 with methionine.
Molecular consequence: missense variant.
Genome position (GRCh38, 1-based): chr11:68,439,903, C>T. VCF-style: chr11-68439903-C-T. GRCh37 (hg19) VCF-style: chr11-68207371-C-T.
Other names: c.2732C>T, p.Thr911Met (NM_001291902.2); short protein forms T1492M, T911M.
Identifiers: ClinVar variation 1002245 (VCV001002245.10), dbSNP rs767294114, ClinGen allele CA6150372.

ClinVar aggregate classification (germline): Uncertain significance (1 of 4 stars; one submission).

Allele frequency attached by ClinVar (database versions not stated): ExAC below 0.00001; TOPMed 0.00002; gnomAD exomes 0.00004.
gnomAD v4.1: 31 of 1,477,408 alleles (0.0021%); highest among the groups gnomAD compares: Admixed American, 0.0041%; no homozygotes.

Submission:

Labcorp Genetics (formerly Invitae), Labcorp
Classification: Uncertain significance. Last evaluated: 2024-10-04. Review status: criteria provided, single submitter. Criteria: Invitae Variant Classification Sherloc (09022015). Collection method: clinical testing. Allele origin: germline.
Comment: This sequence change replaces threonine, which is neutral and polar, with methionine, which is neutral and non-polar, at codon 1492 of the LRP5 protein (p.Thr1492Met). This variant is present in population databases (rs767294114, gnomAD 0.01%). This missense change has been observed in individual(s) with LRP5-related conditions (PMID: 35876299). ClinVar contains an entry for this variant (Variation ID: 1002245). Invitae Evidence Modeling of protein sequence and biophysical properties (such as structural, functional, and spatial information, amino acid conservation, physicochemical variation, residue mobility, and thermodynamic stability) indicates that this missense variant is not expected to disrupt LRP5 protein function with a negative predictive value of 95%. In summary, the available evidence is currently insufficient to determine the role of this variant in disease. Therefore, it has been classified as a Variant of Uncertain Significance.

Literature cited by the submitters: PubMed 35876299.